The following is an entry in ClinVar:

ClinVar aggregate classification (germline): Likely benign (1 of 4 stars; one submission).

Conditions:
RFX3-related neurodevelopmental disorder with autism and other behavioural abnormalities. Identifiers: MedGen CN380220, MONDO:0700361.

Submission:

Centre for Medical Genetics,  Mumbai
Classification: Likely benign for RFX3-related neurodevelopmental disorder with autism and other behavioural abnormalities. Last evaluated: 2026-01-04. Review status: criteria provided, single submitter. Criteria: ACMG Guidelines, 2015. Collection method: provider interpretation. Allele origin: germline. Inheritance: Autosomal dominant inheritance. Affected: no. Observed: 1 heterozygote.
Comment: The variant is absent in gnomAD database, hence satisfies PM2 criteria. The variant satisfies PM4 criteria: Protein length changes resulting from in-frame deletions/insertions in a non-repeat region or a stop-loss variant. Hence, the variant satisfies the BS2 criteria: observed in a healthy adult individual for a recessive (homozygous), dominant (heterozygous), or X-linked (hemizygous) disorder, with full penetrance expected at an early age

Literature cited by the submitters: PubMed 33658631.

NM_001282116.2(RFX3):c.827AAC[1] (p.Gln277del)

Gene: RFX3 (regulatory factor X3; minus strand). Cytogenetic location: 9p24.2.
Variant type: Microsatellite.
Coding change: c.827AAC[1] on transcript NM_001282116.2 (MANE Select); one copy of the 3-base unit AAC starting at c.827; the reference has two copies in a row; one copy, 3 bases deleted; also written c.830_832del.
Protein change: p.Gln277del; deletes glutamine 277.
Molecular consequence: inframe deletion.
Genome position (GRCh38, 1-based): chr9:3,288,150-3,288,152, GTT deleted on the plus strand (AAC on the coding strand, the reverse complement: RFX3 is on the minus strand); deleting any 3 consecutive bases within chr9:3,288,150-3,288,157 gives the same sequence; the position shown is the placement nearest the transcript's 3' end. VCF-style (leftmost placement, unchanged base first): chr9-3288149-GGTT-G. GRCh37 (hg19) VCF-style: chr9-3288149-GGTT-G.
Other names: c.827AAC[1], p.Gln277del (NM_001282117.2, NM_001377999.1, NM_002919.4 and 1 more transcripts); c.830_832del (NM_001282116.2); short protein forms Q277del.
Identifiers: ClinVar variation 4685529 (VCV004685529.1).